The following is an entry in ClinVar:

ClinVar aggregate classification (germline): Benign. Review status: criteria provided, multiple submitters, no conflicts (2 of 4 stars). 3 submissions from 2 submitters: Benign (3). Last evaluated 2026-09-01.

Conditions:
Hypobetalipoproteinemia. Identifiers: Orphanet 31154, MedGen C0020597, MONDO:0017774.
Hypercholesterolemia, autosomal dominant, 3 (FHCL3). Also called: PCSK9-Related Familial Hypercholesterolemia, Autosomal Dominant; Familial hypercholesterolemia 3; Familial Hypercholesterolemia, Autosomal Dominant, 3. Identifiers: MedGen C1863551, MONDO:0011369, OMIM 603776.

Allele frequency attached by ClinVar (database versions not stated): gnomAD 0.01415; 1000 Genomes Project 0.01498; TOPMed 0.01557; 1000 Genomes Project 30x 0.01686.

Submissions (3):

CeGaT Center for Human Genetics Tuebingen
Classification: Benign. Last evaluated: 2026-09-01. Review status: criteria provided, single submitter. Criteria: CeGaT Center For Human Genetics Tuebingen Variant Classification Criteria Version 2. Collection method: clinical testing. Allele origin: germline. Affected: yes. Observed: 6 variant alleles.
Comment: PCSK9: BS1, BS2

Illumina Laboratory Services, Illumina
Classification: Benign for Hypercholesterolemia, autosomal dominant, 3. Last evaluated: 2018-01-13. Review status: criteria provided, single submitter. Criteria: ICSL Variant Classification Criteria 13 December 2019. Collection method: clinical testing. Allele origin: germline.
Comment: This variant was observed in the ICSL laboratory as part of a predisposition screen in an ostensibly healthy population. It had not been previously curated by ICSL or reported in the Human Gene Mutation Database (HGMD: prior to June 1st, 2018), and was therefore a candidate for classification through an automated scoring system. Utilizing variant allele frequency, disease prevalence and penetrance estimates, and inheritance mode, an automated score was calculated to assess if this variant is too frequent to cause the disease. Based on the score and internal cut-off values, a variant classified as benign is not then subjected to further curation. The score for this variant resulted in a classification of benign for this disease.

Illumina Laboratory Services, Illumina
Classification: Benign for Hypobetalipoproteinemia. Last evaluated: 2018-01-13. Review status: criteria provided, single submitter. Criteria: ICSL Variant Classification Criteria 13 December 2019. Collection method: clinical testing. Allele origin: germline.
Comment: the same text as in the submission from Illumina Laboratory Services, Illumina above.

NM_174936.4(PCSK9):c.*849T>C

Gene: PCSK9 (proprotein convertase subtilisin/kexin type 9; plus strand). Cytogenetic location: 1p32.3.
Variant type: single nucleotide variant.
Coding change: c.*849T>C on transcript NM_174936.4 (MANE Select); 849 bases downstream of the stop codon, T replaced by C.
Molecular consequence: 3 prime UTR variant.
Genome position (GRCh38, 1-based): chr1:55,064,433, T>C. VCF-style: chr1-55064433-T-C. GRCh37 (hg19) VCF-style: chr1-55530106-T-C.
Other names: c.*849T>C (NM_001407240.1, NM_001407241.1, NM_001407242.1 and 5 more transcripts).
Identifiers: ClinVar variation 297740 (VCV000297740.10), dbSNP rs28362292, ClinGen allele CA10610199.
Genomic context (GRCh38, chr1:55,064,433, plus strand): 5'-GAACCAGAGGGGGCGTGCCTGCCAAGCTCACACAGCAGGAACTGAGCCAGAAACGCAGAT[T>C]GGGCTGGCTCTGAAGCCAAGCCTCTTCTTACTTCACCCGGCTGGGCTCCTCATTTTTACG-3'